The following is an entry in ClinVar:

NM_001379200.1(TBX1):c.83G>T (p.Ser28Ile)

Gene: TBX1 (T-box transcription factor 1; plus strand). Cytogenetic location: 22q11.21.
Variant type: single nucleotide variant.
Coding change: c.83G>T on transcript NM_001379200.1 (MANE Select); coding-DNA position 83, G replaced by T.
Protein change: p.Ser28Ile; replaces serine 28 with isoleucine.
Molecular consequence: missense variant.
Genome position (GRCh38, 1-based): chr22:19,760,926, G>T. VCF-style: chr22-19760926-G-T. GRCh37 (hg19) VCF-style: chr22-19748449-G-T.
Other names: c.56G>T, p.Ser19Ile (NM_005992.1, NM_080646.2, NM_080647.1); short protein forms S28I, S19I.
Identifiers: ClinVar variation 1749162 (VCV001749162.2), dbSNP rs2517841330, ClinGen allele CA410681117.

ClinVar aggregate classification (germline): Uncertain significance (1 of 4 stars; one submission).

Conditions:
Cardiovascular phenotype. Identifiers: MedGen CN230736.

Submission:

Ambry Genetics
Classification: Uncertain significance for Cardiovascular phenotype. Last evaluated: 2021-11-19. Review status: criteria provided, single submitter. Criteria: Ambry Variant Classification Scheme 2023. Collection method: clinical testing. Allele origin: germline.
Comment: The p.S19I variant (also known as c.56G>T), located in coding exon 2 of the TBX1 gene, results from a G to T substitution at nucleotide position 56. The serine at codon 19 is replaced by isoleucine, an amino acid with dissimilar properties. This amino acid position is conserved. In addition, this alteration is predicted to be tolerated by in silico analysis. Since supporting evidence is limited at this time, the clinical significance of this alteration remains unclear.